The following is an entry in ClinVar:

ClinVar aggregate classification (germline): Uncertain significance (1 of 4 stars; one submission).

Allele frequency attached by ClinVar (database versions not stated): gnomAD 0.00002; gnomAD exomes 0.00002 and 0.00003; TOPMed 0.00002; ExAC 0.00004.
gnomAD v4.1: 51 of 1,611,174 alleles (0.0032%); highest among the groups gnomAD compares: Non-Finnish European, 0.0043%; no homozygotes.

Submission:

Labcorp Genetics (formerly Invitae), Labcorp
Classification: Uncertain significance. Last evaluated: 2022-03-26. Review status: criteria provided, single submitter. Criteria: Invitae Variant Classification Sherloc (09022015). Collection method: clinical testing. Allele origin: germline.
Comment: This sequence change replaces isoleucine, which is neutral and non-polar, with methionine, which is neutral and non-polar, at codon 493 of the TBCK protein (p.Ile493Met). This variant is present in population databases (rs745967317, gnomAD 0.005%). This variant has not been reported in the literature in individuals affected with TBCK-related conditions. Algorithms developed to predict the effect of missense changes on protein structure and function are either unavailable or do not agree on the potential impact of this missense change (SIFT: "Deleterious"; PolyPhen-2: "Probably Damaging"; Align-GVGD: "Class C0"). In summary, the available evidence is currently insufficient to determine the role of this variant in disease. Therefore, it has been classified as a Variant of Uncertain Significance.

NM_001163435.3(TBCK):c.1479T>G (p.Ile493Met)

Gene: TBCK (TBC1 domain containing kinase; minus strand). Cytogenetic location: 4q24.
Variant type: single nucleotide variant.
Coding change: c.1479T>G on transcript NM_001163435.3 (MANE Select); coding-DNA position 1479, T replaced by G.
Protein change: p.Ile493Met; replaces isoleucine 493 with methionine.
Molecular consequence: missense variant.
Genome position (GRCh38, 1-based): chr4:106,233,621, A>C on the plus strand (T>G on the coding strand, the complement: TBCK is on the minus strand). VCF-style: chr4-106233621-A-C. GRCh37 (hg19) VCF-style: chr4-107154778-A-C.
Other names: c.1479T>G, p.Ile493Met (NM_001163436.4); c.1362T>G, p.Ile454Met (NM_001163437.3); c.963T>G, p.Ile321Met (NM_001290768.2); c.1290T>G, p.Ile430Met (NM_033115.5); short protein forms I454M, I321M, I493M, I430M.
Identifiers: ClinVar variation 1427771 (VCV001427771.5), dbSNP rs745967317, ClinGen allele CA3035043.